The following is an entry in ClinVar:

NM_033380.3(COL4A5):c.781-2A>G

Gene: COL4A5 (collagen type IV alpha 5 chain; plus strand). Cytogenetic location: Xq22.3.
Variant type: single nucleotide variant.
Coding change: c.781-2A>G on transcript NM_033380.3 (MANE Select); the canonical splice acceptor site of the intron before coding-DNA position 781, A replaced by G.
Molecular consequence: splice acceptor variant.
Genome position (GRCh38, 1-based): chrX:108,580,531, A>G. VCF-style: chrX-108580531-A-G. GRCh37 (hg19) VCF-style: chrX-107823761-A-G.
Other names: c.781-2A>G (NM_000495.5).
Identifiers: ClinVar variation 1072212 (VCV001072212.9), dbSNP rs1556406736, ClinGen allele CA413925486.
Genomic context (GRCh38, chrX:108,580,531, plus strand): 5'-CTTAGAATGAAAATGCATGTTCCAGTATTAACATTGATTTCCTTTCCCCTACTACTGCAT[A>G]GGGACTTCCTGGTGACCGAGGGCCTCCTGGACCTCCAGGGATACGTGGTCCTCCAGTAAG-3'

ClinVar aggregate classification (germline): Pathogenic (1 of 4 stars; one submission).

Submission:

Labcorp Genetics (formerly Invitae), Labcorp
Classification: Pathogenic. Last evaluated: 2020-09-24. Review status: criteria provided, single submitter. Criteria: Invitae Variant Classification Sherloc (09022015). Collection method: clinical testing. Allele origin: germline.
Comment: For these reasons, this variant has been classified as Pathogenic. Donor and acceptor splice site variants typically lead to a loss of protein function (PMID: 16199547), and loss-of-function variants in COL4A5 are known to be pathogenic (PMID: 9195222, 10752524, 14514738, 24854265, 26809805). Algorithms developed to predict the effect of sequence changes on RNA splicing suggest that this variant may disrupt the consensus splice site, but this prediction has not been confirmed by published transcriptional studies. This variant has been observed in individual(s) with Alport syndrome (Invitae). It has also been observed to segregate with disease in related individuals. This variant is not present in population databases (ExAC no frequency). This sequence change affects an acceptor splice site in intron 13 of the COL4A5 gene. It is expected to disrupt RNA splicing and likely results in an absent or disrupted protein product.

Literature cited by the submitters: PubMed 16199547; PubMed 9195222; PubMed 10752524; PubMed 14514738; PubMed 24854265; PubMed 26809805.